The following is an entry in ClinVar:

ClinVar aggregate classification (germline): Likely benign (1 of 4 stars; one submission).

Allele frequency attached by ClinVar (database versions not stated): gnomAD exomes below 0.00001.
gnomAD v4.1: 2 of 1,606,356 alleles (0.00012%); highest among the groups gnomAD compares: Non-Finnish European, 0.00017%; no homozygotes.

Submission:

GeneDx
Classification: Likely benign. Last evaluated: 2018-03-19. Review status: criteria provided, single submitter. Criteria: GeneDx Variant Classification (06012015). Collection method: clinical testing. Allele origin: germline. Affected: yes.
Comment: This variant is considered likely benign or benign based on one or more of the following criteria: it is a conservative change, it occurs at a poorly conserved position in the protein, it is predicted to be benign by multiple in silico algorithms, and/or has population frequency not consistent with disease.

NM_130837.3(OPA1):c.2520+4G>A

Gene: OPA1 (OPA1 mitochondrial dynamin like GTPase; plus strand). Cytogenetic location: 3q29.
Variant type: single nucleotide variant.
Coding change: c.2520+4G>A on transcript NM_130837.3 (MANE Select); 4 bases into the intron after coding-DNA position 2520, G replaced by A.
Molecular consequence: intron variant.
Genome position (GRCh38, 1-based): chr3:193,659,565, G>A. VCF-style: chr3-193659565-G-A. GRCh37 (hg19) VCF-style: chr3-193377354-G-A.
Other names: c.1983+4G>A (NM_001354664.2); c.1986+4G>A (NM_001354663.2); c.2409+4G>A (NM_130834.3); c.2466+4G>A (NM_130836.3); c.2355+4G>A (NM_015560.3); c.2412+4G>A (NM_130835.3); c.2301+4G>A (NM_130832.3); c.2358+4G>A (NM_130833.3); and 1 more.
Identifiers: ClinVar variation 680352 (VCV000680352.1), dbSNP rs1577307342, ClinGen allele CA915944115.